The following is an entry in ClinVar:

NM_032830.3(UTP4):c.1288-7C>T

Gene: UTP4 (UTP4 small subunit processome component). Cytogenetic location: 16q22.1.
Variant type: single nucleotide variant.
Coding change: c.1288-7C>T on transcript NM_032830.3 (MANE Select); 7 bases into the intron before coding-DNA position 1288, C replaced by T.
Molecular consequence: intron variant.
Genome position (GRCh38, 1-based): chr16:69,157,077, C>T. VCF-style: chr16-69157077-C-T. GRCh37 (hg19) VCF-style: chr16-69190980-C-T.
Other names: c.1039-7C>T (NM_001318391.2).
Identifiers: ClinVar variation 4999473 (VCV004999473.1).

ClinVar aggregate classification (germline): Likely benign (1 of 4 stars; one submission).

Conditions:
UTP4-related disorder. Also called: UTP4-related condition.

gnomAD v4.1: 18 of 1,614,132 alleles (0.0011%); highest among the groups gnomAD compares: Non-Finnish European, 0.0014%; no homozygotes.

Submission:

PreventionGenetics, part of Exact Sciences
Classification: Likely benign for UTP4-related condition. Last evaluated: 2025-07-16. Review status: criteria provided, single submitter. Criteria: ACMG Guidelines, 2015. Collection method: clinical testing. Allele origin: germline.
Comment: This variant is classified as likely benign based on ACMG/AMP sequence variant interpretation guidelines (Richards et al. 2015 PMID: 25741868, with internal and published modifications).